The following is an entry in ClinVar:

ClinVar aggregate classification (germline): Pathogenic (1 of 4 stars; one submission).

Conditions:
Osteogenesis imperfecta type I (OI1). Also called: Lobstein disease; Classic Non-deforming Osteogenesis Imperfecta with Blue Sclerae; OI, TYPE I; OSTEOGENESIS IMPERFECTA TARDA; OSTEOGENESIS IMPERFECTA WITH BLUE SCLERAE; Osteogenesis imperfecta type 1. Identifiers: Orphanet 216796, Orphanet 666, MedGen C0023931, MONDO:0008146, OMIM 166200. Disease mechanism: loss of function.

Submission:

Labcorp Genetics (formerly Invitae), Labcorp
Classification: Pathogenic for Osteogenesis imperfecta type I. Last evaluated: 2024-01-22. Review status: criteria provided, single submitter. Criteria: Invitae Variant Classification Sherloc (09022015). Collection method: clinical testing. Allele origin: germline.
Comment: This sequence change creates a premature translational stop signal (p.Gly1272Glufs*59) in the COL1A1 gene. It is expected to result in an absent or disrupted protein product. Loss-of-function variants in COL1A1 are known to be pathogenic (PMID: 7942841, 9295084, 9443882). This variant is not present in population databases (gnomAD no frequency). This variant has not been reported in the literature in individuals affected with COL1A1-related conditions. ClinVar contains an entry for this variant (Variation ID: 1457663). Algorithms developed to predict the effect of sequence changes on RNA splicing suggest that this variant may disrupt the consensus splice site. For these reasons, this variant has been classified as Pathogenic.

Literature cited by the submitters: PubMed 7942841; PubMed 9295084; PubMed 9443882.

NC_000017.11:g.50186508del

Gene: COL1A1 (collagen type I alpha 1 chain; minus strand). Cytogenetic location: 17q21.33.
Variant type: Deletion.
Genome position: GRCh38 VCF-style: chr17-50186506-TC-T. GRCh37 (hg19) VCF-style: chr17-48263867-TC-T.
Identifiers: ClinVar variation 1457663 (VCV001457663.7), dbSNP rs2144535299, ClinGen allele CA2573154169.
Genomic context (GRCh38, chr17:50,186,506, plus strand): 5'-GTTGCAGAAGACTTTGATGGCATCCAGGTTGCAGCCTTGGTTGGGGTCAATCCAGTACTC[TC>T]CTGTGGTAGGGCAGGGCAAGATGGAGTCAGGGAAAGGGAGCAGCCAGCACCATATGGTAG-3'